The following is an entry in ClinVar:

NM_058216.3(RAD51C):c.801G>C (p.Gln267His)

Gene: RAD51C (RAD51 paralog C; plus strand). Cytogenetic location: 17q22.
Variant type: single nucleotide variant.
Coding change: c.801G>C on transcript NM_058216.3 (MANE Select); coding-DNA position 801, G replaced by C.
Protein change: p.Gln267His; replaces glutamine 267 with histidine.
Molecular consequence: missense variant. On other transcripts: non-coding transcript variant (1).
Genome position (GRCh38, 1-based): chr17:58,709,954, G>C. VCF-style: chr17-58709954-G-C. GRCh37 (hg19) VCF-style: chr17-56787315-G-C.
Other names: short protein forms Q267H.
Identifiers: ClinVar variation 959677 (VCV000959677.9), dbSNP rs2048499866, ClinGen allele CA400354149.

ClinVar aggregate classification (germline): Uncertain significance (1 of 4 stars; one submission).

Conditions:
Fanconi anemia complementation group O. Also called: RAD51C-Related Fanconi Anemia. Identifiers: Orphanet 84, MedGen C3150653, MONDO:0013248, OMIM 613390.

Submission:

Labcorp Genetics (formerly Invitae), Labcorp
Classification: Uncertain significance for Fanconi anemia complementation group O. Last evaluated: 2019-08-30. Review status: criteria provided, single submitter. Criteria: Invitae Variant Classification Sherloc (09022015). Collection method: clinical testing. Allele origin: germline.
Comment: This sequence change replaces glutamine with histidine at codon 267 of the RAD51C protein (p.Gln267His). The glutamine residue is highly conserved and there is a small physicochemical difference between glutamine and histidine. In summary, the available evidence is currently insufficient to determine the role of this variant in disease. Therefore, it has been classified as a Variant of Uncertain Significance. Algorithms developed to predict the effect of missense changes on protein structure and function are either unavailable or do not agree on the potential impact of this missense change (SIFT: "Deleterious"; PolyPhen-2: "Probably Damaging"; Align-GVGD: "Class C0"). This variant has not been reported in the literature in individuals with RAD51C-related conditions. This variant is not present in population databases (ExAC no frequency).